The following is an entry in ClinVar:

ClinVar aggregate classification (germline): Uncertain significance (1 of 4 stars; one submission).

Allele frequency attached by ClinVar (database versions not stated): gnomAD 0.00001.
gnomAD v4.1: 26 of 1,605,850 alleles (0.0016%); highest among the groups gnomAD compares: East Asian, 0.009%; no homozygotes.

Submission:

Labcorp Genetics (formerly Invitae), Labcorp
Classification: Uncertain significance. Last evaluated: 2025-01-23. Review status: criteria provided, single submitter. Criteria: Invitae Variant Classification Sherloc (09022015). Collection method: clinical testing. Allele origin: germline.
Comment: This sequence change replaces valine, which is neutral and non-polar, with methionine, which is neutral and non-polar, at codon 1214 of the COL18A1 protein (p.Val1214Met). The frequency data for this variant in the population databases is considered unreliable, as metrics indicate poor data quality at this position in the gnomAD database. This variant has not been reported in the literature in individuals affected with COL18A1-related conditions. ClinVar contains an entry for this variant (Variation ID: 1447273). Experimental studies and prediction algorithms are not available or were not evaluated, and the functional significance of this variant is currently unknown. In summary, the available evidence is currently insufficient to determine the role of this variant in disease. Therefore, it has been classified as a Variant of Uncertain Significance.

NM_001379500.1(COL18A1):c.3649G>A (p.Val1217Met)

Genes: COL18A1 (collagen type XVIII alpha 1 chain; plus strand), SLC19A1 (solute carrier family 19 member 1; minus strand). Cytogenetic location: 21q22.3.
Variant type: single nucleotide variant.
Coding change: c.3649G>A on transcript NM_001379500.1 (MANE Select); coding-DNA position 3649, G replaced by A.
Protein change: p.Val1217Met; replaces valine 1217 with methionine.
Molecular consequence: missense variant.
Genome position (GRCh38, 1-based): chr21:45,510,217, G>A. VCF-style: chr21-45510217-G-A. GRCh37 (hg19) VCF-style: chr21-46930131-G-A.
Other names: c.4180G>A, p.Val1394Met (NM_030582.4); c.4885G>A, p.Val1629Met (NM_130444.3); short protein forms V1629M, V1217M, V1394M.
Identifiers: ClinVar variation 1447273 (VCV001447273.5), dbSNP rs371989063, ClinGen allele CA10067986.